The following is an entry in ClinVar:

ClinVar aggregate classification (germline): Benign (1 of 4 stars; one submission).

Conditions:
Oligodontia-cancer predisposition syndrome. Also called: TOOTH AGENESIS-COLORECTAL CANCER SYNDROME. Identifiers: Orphanet 300576, MedGen C1837750, MONDO:0012075, OMIM 608615. Disease mechanism: loss of function.

Submission:

Myriad Genetics, Inc.
Classification: Benign for Oligodontia-cancer predisposition syndrome. Last evaluated: 2024-06-28. Review status: criteria provided, single submitter. Criteria: Myriad Autosomal Dominant, Autosomal Recessive and X-Linked Classification Criteria (2023). Collection method: clinical testing. Allele origin: unknown.
Comment: This variant is considered benign. This variant is intronic and is not expected to impact mRNA splicing.

NM_004655.4(AXIN2):c.957-21_957-20del

Gene: AXIN2 (axin 2; minus strand). Cytogenetic location: 17q24.1.
Variant type: Deletion.
Coding change: c.957-21_957-20del on transcript NM_004655.4 (MANE Select); 21 bases into the intron before coding-DNA position 957 through 20 bases into the intron before coding-DNA position 957, 2 bases deleted (CT; older notation c.957-21_957-20delCT).
Molecular consequence: intron variant.
Genome position (GRCh38, 1-based): chr17:65,541,577-65,541,578, AG deleted on the plus strand (CT on the coding strand, the reverse complement: AXIN2 is on the minus strand); deleting any 2 consecutive bases within chr17:65,541,577-65,541,579 gives the same sequence; the c. name uses the placement nearest the transcript's 3' end. VCF-style (leftmost placement, unchanged base first): chr17-65541576-CAG-C. GRCh37 (hg19) VCF-style: chr17-63537694-CAG-C.
Other names: c.957-21_957-20del (NM_001363813.1).
Identifiers: ClinVar variation 3254354 (VCV003254354.1), dbSNP rs2544197267.